The following is an entry in ClinVar:

ClinVar aggregate classification (germline): Pathogenic. Review status: criteria provided, multiple submitters, no conflicts (2 of 4 stars). 4 submissions from 4 submitters: Pathogenic (4). Last evaluated 2025-04-07.

Conditions:
Duchenne muscular dystrophy (DMD). Also called: Duchenne Muscular Dystrophy (DMD); MUSCULAR DYSTROPHY, PSEUDOHYPERTROPHIC PROGRESSIVE, DUCHENNE TYPE. Identifiers: Orphanet 98896, MedGen C0013264, MONDO:0010679, OMIM 310200.

Submissions (4):

GeneDx
Classification: Pathogenic. Last evaluated: 2025-04-07. Review status: criteria provided, single submitter. Criteria: GeneDx Variant Classification Process June 2021. Collection method: clinical testing. Allele origin: germline. Affected: yes.
Comment: Canonical splice site variant predicted to result in a null allele in a gene for which loss of function is a known mechanism of disease; Not observed at significant frequency in large population cohorts (gnomAD); Has not been previously published as pathogenic or benign to our knowledge; This variant is associated with the following publications: (PMID: 30827497, 19937601, 34106991, 27234031)

Revvity Omics, Revvity
Classification: Pathogenic. Last evaluated: 2025-03-17. Review status: criteria provided, single submitter. Criteria: ACMG Guidelines, 2015. Collection method: clinical testing. Allele origin: germline.

Labcorp Genetics (formerly Invitae), Labcorp
Classification: Pathogenic for Duchenne muscular dystrophy. Last evaluated: 2022-02-08. Review status: criteria provided, single submitter. Criteria: Invitae Variant Classification Sherloc (09022015). Collection method: clinical testing. Allele origin: germline.
Comment: For these reasons, this variant has been classified as Pathogenic. Algorithms developed to predict the effect of sequence changes on RNA splicing suggest that this variant may disrupt the consensus splice site. ClinVar contains an entry for this variant (Variation ID: 803957). Disruption of this splice site has been observed in individuals with Duchenne muscular dystrophy (PMID: 19937601, 27234031, 30827497, 34106991). This variant is not present in population databases (gnomAD no frequency). This sequence change affects a donor splice site in intron 2 of the DMD gene. It is expected to disrupt RNA splicing. Variants that disrupt the donor or acceptor splice site typically lead to a loss of protein function (PMID: 16199547), and loss-of-function variants in DMD are known to be pathogenic (PMID: 16770791, 25007885).

Mendelics
Classification: Pathogenic for Duchenne muscular dystrophy. Last evaluated: 2019-05-28. Review status: criteria provided, single submitter. Criteria: Mendelics Assertion Criteria 2017. Collection method: clinical testing. Allele origin: unknown.

Literature cited by the submitters: PubMed 19937601 (cited by Labcorp Genetics (formerly Invitae), Labcorp); PubMed 27234031 (cited by Labcorp Genetics (formerly Invitae), Labcorp); PubMed 30827497 (cited by Labcorp Genetics (formerly Invitae), Labcorp); PubMed 34106991 (cited by Labcorp Genetics (formerly Invitae), Labcorp); PubMed 16199547 (cited by Labcorp Genetics (formerly Invitae), Labcorp); PubMed 16770791 (cited by Labcorp Genetics (formerly Invitae), Labcorp); PubMed 25007885 (cited by Labcorp Genetics (formerly Invitae), Labcorp).

NM_004006.3(DMD):c.93+1G>T

Gene: DMD (dystrophin; minus strand). Cytogenetic location: Xp21.1.
Variant type: single nucleotide variant.
Coding change: c.93+1G>T on transcript NM_004006.3 (MANE Select); the canonical splice donor site of the intron after coding-DNA position 93, G replaced by T.
Molecular consequence: splice donor variant.
Genome position (GRCh38, 1-based): chrX:33,020,138, C>A on the plus strand (G>T on the coding strand, the complement: DMD is on the minus strand). VCF-style: chrX-33020138-C-A. GRCh37 (hg19) VCF-style: chrX-33038255-C-A.
Other names: c.69+1G>T (NM_000109.4); c.81+1G>T (NM_004009.3); c.-277+1G>T (NM_004010.3); c.93+1G>T (NM_004006.2).
Identifiers: ClinVar variation 803957 (VCV000803957.9), dbSNP rs886042604, ClinGen allele CA412675210.